The following is an entry in ClinVar:

ClinVar aggregate classification (germline): Uncertain significance (1 of 4 stars; one submission).

Conditions:
Hereditary pancreatitis (PCTT). Also called: Hereditary chronic pancreatitis; PRSS1-Related Hereditary Pancreatitis. Identifiers: Orphanet 676, MedGen C0238339, MONDO:0008185, OMIM 167800.

gnomAD v4.1: 1 of 1,614,020 alleles (0.000062%); highest among the groups gnomAD compares: Non-Finnish European, 0.000085%; no homozygotes.

Submission:

Ambry Genetics
Classification: Uncertain significance for Hereditary pancreatitis. Last evaluated: 2024-10-11. Review status: criteria provided, single submitter. Criteria: Ambry Variant Classification Scheme 2023. Collection method: clinical testing. Allele origin: germline.
Comment: The p.S363R variant (also known as c.1089C>G), located in coding exon 10 of the CPA1 gene, results from a C to G substitution at nucleotide position 1089. The serine at codon 363 is replaced by arginine, an amino acid with dissimilar properties. This amino acid position is conserved. In addition, this alteration is predicted to be tolerated by in silico analysis. Since supporting evidence is limited at this time, the clinical significance of this alteration remains unclear.

NM_001868.4(CPA1):c.1089C>G (p.Ser363Arg)

Gene: CPA1 (carboxypeptidase A1; plus strand). Cytogenetic location: 7q32.2.
Variant type: single nucleotide variant.
Coding change: c.1089C>G on transcript NM_001868.4 (MANE Select); coding-DNA position 1089, C replaced by G.
Protein change: p.Ser363Arg; replaces serine 363 with arginine.
Molecular consequence: missense variant.
Genome position (GRCh38, 1-based): chr7:130,387,840, C>G. VCF-style: chr7-130387840-C-G. GRCh37 (hg19) VCF-style: chr7-130027681-C-G.
Other names: short protein forms S363R.
Identifiers: ClinVar variation 1788419 (VCV001788419.3), dbSNP rs1554412216, ClinGen allele CA369284206.
Genomic context (GRCh38, chr7:130,387,840, plus strand): 5'-CCAAAGTGATTGACCCTTTCTCTCCTATTTTACTCCTGCCCCAGATCAAGCCAGTGGAAG[C>G]ACTATTGACTGGACCTACAGCCAGGGCATCAAGTACTCCTTCACCTTCGAGCTCCGGGAC-3'
Protein context (NP_001859.1, residues 353-373): IIKAIYQASG[Ser363Arg]TIDWTYSQGI